The following is an entry in ClinVar:

NM_016373.4(WWOX):c.410G>A (p.Gly137Glu)

Gene: WWOX (WW domain containing oxidoreductase; plus strand). Cytogenetic location: 16q23.1.
Variant type: single nucleotide variant.
Coding change: c.410G>A on transcript NM_016373.4 (MANE Select); coding-DNA position 410, G replaced by A.
Protein change: p.Gly137Glu; replaces glycine 137 with glutamic acid.
Molecular consequence: missense variant. On other transcripts: non-coding transcript variant (1).
Genome position (GRCh38, 1-based): chr16:78,164,183, G>A. VCF-style: chr16-78164183-G-A. GRCh37 (hg19) VCF-style: chr16-78198080-G-A.
Other names: p.G137E; c.71G>A, p.Gly24Glu (NM_001291997.2); c.410G>A, p.Gly137Glu (NM_130791.5); short protein forms G137E, G24E.
Identifiers: ClinVar variation 444378 (VCV000444378.54), dbSNP rs761879076, ClinGen allele CA8183208.

ClinVar aggregate classification (germline): Conflicting classifications of pathogenicity. Review status: criteria provided, conflicting classifications (1 of 4 stars). 6 submissions from 6 submitters: Pathogenic (1); Likely pathogenic (3); Uncertain significance (1). 1 of the submissions does not count toward it. Last evaluated 2025-12-26.

Conditions:
Developmental and epileptic encephalopathy, 28 (DEE28). Also called: Epileptic encephalopathy, early infantile, 28. Identifiers: Orphanet 442835, MedGen C4015519, MONDO:0014533, OMIM 616211.
WWOX-related disorder. Also called: WWOX-related condition.
Developmental and epileptic encephalopathy, 1 (DEE1). Also called: Epileptic encephalopathy, early infantile, 1; X-linked infantile spasms; West's syndrome; Tonic spasms with clustering, arrest of psychomotor development and hypsarrhythmia on EEG; X-Linked Infantile Spasm Syndrome; OHTAHARA SYNDROME, X-LINKED. Identifiers: MedGen C3463992, MONDO:0010632, OMIM 308350. Disease mechanism: loss of function.
Autosomal recessive spinocerebellar ataxia 12. Also called: SPINOCEREBELLAR ATAXIA WITH MENTAL RETARDATION AND EPILEPSY. Identifiers: Orphanet 284282, MedGen C3280452, MONDO:0013687, OMIM 614322.

Allele frequency attached by ClinVar (database versions not stated): gnomAD 0.00005 and 0.00004; TOPMed 0.00008; gnomAD exomes 0.00004; ExAC 0.00005.
gnomAD v4.1: 210 of 1,613,590 alleles (0.013%); highest among the groups gnomAD compares: Non-Finnish European, 0.017%; no homozygotes.

Submissions (6):

Labcorp Genetics (formerly Invitae), Labcorp
Classification: Likely pathogenic for Developmental and epileptic encephalopathy, 1; Autosomal recessive spinocerebellar ataxia 12. Last evaluated: 2025-12-26. Review status: criteria provided, single submitter. Criteria: Invitae Variant Classification Sherloc (09022015). Collection method: clinical testing. Allele origin: germline.
Comment: This sequence change replaces glycine, which is neutral and non-polar, with glutamic acid, which is acidic and polar, at codon 137 of the WWOX protein (p.Gly137Glu). This variant is present in population databases (rs761879076, gnomAD 0.01%). This missense change has been observed in individual(s) with WWOX-related conditions (PMID: 30356099, 40875931). In at least one individual the data is consistent with being in trans (on the opposite chromosome) from a pathogenic variant. ClinVar contains an entry for this variant (Variation ID: 444378). An algorithm developed to predict the effect of missense changes on protein structure and function (PolyPhen-2) suggests that this variant is likely to be disruptive. This variant disrupts the p.Gly137 amino acid residue in WWOX. Other variant(s) that disrupt this residue have been observed in individuals with WWOX-related conditions (PMID: 30919572), which suggests that this may be a clinically significant amino acid residue. In summary, the currently available evidence indicates that the variant is pathogenic, but additional data are needed to prove that conclusively. Therefore, this variant has been classified as Likely Pathogenic.

GeneDx
Classification: Likely pathogenic. Last evaluated: 2024-12-20. Review status: criteria provided, single submitter. Criteria: GeneDx Variant Classification Process June 2021. Collection method: clinical testing. Allele origin: germline. Affected: yes.
Comment: Not observed at significant frequency in large population cohorts (gnomAD); In silico analysis supports that this missense variant has a deleterious effect on protein structure/function; This variant is associated with the following publications: (PMID: 30356099, 34426522, 25411445, 33916893)

Kids Research, The Children's Hospital at Westmead
Classification: Pathogenic for Developmental and epileptic encephalopathy, 28. Last evaluated: 2024-09-20. Review status: criteria provided, single submitter. Criteria: ACMG Guidelines, 2015. Collection method: research. Allele origin: germline. Affected: yes.
Comment: PM2, PP3_Strong, PM3_Very Strong

Blueprint Genetics
Classification: Likely pathogenic for WWOX-related disorders. Last evaluated: 2021-09-30. Review status: criteria provided, single submitter. Criteria: ACMG Guidelines, 2015. Collection method: clinical testing. Allele origin: germline. Affected: yes. Observed: 2 variant alleles.

CeGaT Center for Human Genetics Tuebingen
Classification: Uncertain significance. Last evaluated: 2017-04-01. Review status: criteria provided, single submitter. Criteria: CeGaT Center For Human Genetics Tuebingen Variant Classification Criteria Version 2. Collection method: clinical testing. Allele origin: germline. Affected: yes. Observed: 1 variant allele.

Undiagnosed Diseases Network, NIH
Classification: Likely pathogenic for Developmental and epileptic encephalopathy, 28. Last evaluated: 2022-07-08. Review status: no assertion criteria provided. Collection method: clinical testing. Allele origin: maternal. Affected: yes. Observed: 1 variant allele, 1 compound heterozygote. Study: Undiagnosed Diseases Network (NIH), UDN. Not counted in ClinVar's aggregate classification.
Comment: VARIANT DETAILS The c.410G>A (p.G137E) variant in the WWOX gene has been described as likely pathogenic/uncertain in ClinVar (ID: 444378). This variant has been previously reported in individuals with WWOX-related epileptic encephalopathy (PMID: 30356099). This rare variant has been observed in gnomAD with a frequency of <0.001%. This variant is predicted to be deleterious (CADD: 31.000). The evolutionary conservation of this residue is high.

Literature cited by the submitters: PubMed 30356099 (cited by Labcorp Genetics (formerly Invitae), Labcorp); PubMed 40875931 (cited by Labcorp Genetics (formerly Invitae), Labcorp); PubMed 30919572 (cited by Labcorp Genetics (formerly Invitae), Labcorp).